The following is an entry in ClinVar:

ClinVar aggregate classification (germline): Uncertain significance (1 of 4 stars; one submission).

Allele frequency attached by ClinVar (database versions not stated): gnomAD exomes below 0.00001 and 0.00001; TOPMed below 0.00001; ExAC 0.00001; gnomAD 0.00001.
gnomAD v4.1: 4 of 1,611,398 alleles (0.00025%); highest among the groups gnomAD compares: African/African-American, 0.0013%; no homozygotes.

Submission:

Labcorp Genetics (formerly Invitae), Labcorp
Classification: Uncertain significance. Last evaluated: 2022-02-11. Review status: criteria provided, single submitter. Criteria: Invitae Variant Classification Sherloc (09022015). Collection method: clinical testing. Allele origin: germline.
Comment: This sequence change replaces valine, which is neutral and non-polar, with isoleucine, which is neutral and non-polar, at codon 174 of the LAT protein (p.Val174Ile). The frequency data for this variant in the population databases is considered unreliable, as metrics indicate poor data quality at this position in the gnomAD database. This variant has not been reported in the literature in individuals affected with LAT-related conditions. Algorithms developed to predict the effect of missense changes on protein structure and function output the following: SIFT: "Deleterious"; PolyPhen-2: "Probably Damaging"; Align-GVGD: "Class C25". The isoleucine amino acid residue is found in multiple mammalian species, which suggests that this missense change does not adversely affect protein function. In summary, the available evidence is currently insufficient to determine the role of this variant in disease. Therefore, it has been classified as a Variant of Uncertain Significance.

NM_001014987.2(LAT):c.520G>A (p.Val174Ile)

Gene: LAT (linker for activation of T cells; plus strand). Cytogenetic location: 16p11.2.
Variant type: single nucleotide variant.
Coding change: c.520G>A on transcript NM_001014987.2 (MANE Select); coding-DNA position 520, G replaced by A.
Protein change: p.Val174Ile; replaces valine 174 with isoleucine.
Molecular consequence: missense variant.
Genome position (GRCh38, 1-based): chr16:28,989,553, G>A. VCF-style: chr16-28989553-G-A. GRCh37 (hg19) VCF-style: chr16-29000874-G-A.
Other names: c.517G>A, p.Val173Ile (NM_001014988.2); c.628G>A, p.Val210Ile (NM_001014989.2); c.607G>A, p.Val203Ile (NM_014387.4); short protein forms V203I, V173I, V174I, V210I.
Identifiers: ClinVar variation 1516599 (VCV001516599.5), dbSNP rs767624264, ClinGen allele CA7990054.